The following is an entry in ClinVar:

NM_001999.4(FBN2):c.6224C>T (p.Thr2075Ile)

Gene: FBN2 (fibrillin 2; minus strand). Cytogenetic location: 5q23.3.
Variant type: single nucleotide variant.
Coding change: c.6224C>T on transcript NM_001999.4 (MANE Select); coding-DNA position 6224, C replaced by T.
Protein change: p.Thr2075Ile; replaces threonine 2075 with isoleucine.
Molecular consequence: missense variant.
Genome position (GRCh38, 1-based): chr5:128,291,597, G>A on the plus strand (C>T on the coding strand, the complement: FBN2 is on the minus strand). VCF-style: chr5-128291597-G-A. GRCh37 (hg19) VCF-style: chr5-127627289-G-A.
Other names: short protein forms T2075I.
Identifiers: ClinVar variation 3367712 (VCV003367712.2).

ClinVar aggregate classification (germline): Uncertain significance. Review status: criteria provided, multiple submitters, no conflicts (2 of 4 stars). 2 submissions from 2 submitters: Uncertain significance (2). Last evaluated 2026-04-20.

Conditions:
Familial thoracic aortic aneurysm and aortic dissection (TAAD). Also called: Thoracic aortic aneurysms and dissections. Identifiers: Orphanet 91387, MedGen C4707243, MONDO:0019625.

gnomAD v4.1: 4 of 1,612,574 alleles (0.00025%); highest among the groups gnomAD compares: South Asian, 0.0011%; no homozygotes.

Submissions (2):

Ambry Genetics
Classification: Uncertain significance for Familial thoracic aortic aneurysm and aortic dissection. Last evaluated: 2026-04-20. Review status: criteria provided, single submitter. Criteria: Ambry Variant Classification Scheme 2023. Collection method: clinical testing. Allele origin: germline.
Comment: The p.T2075I variant (also known as c.6224C>T), located in coding exon 49 of the FBN2 gene, results from a C to T substitution at nucleotide position 6224. The threonine at codon 2075 is replaced by isoleucine, an amino acid with similar properties. This amino acid position is conserved. In addition, this alteration is predicted to be deleterious by in silico analysis. Based on the available evidence, the clinical significance of this variant remains unclear.

GeneDx
Classification: Uncertain significance. Last evaluated: 2024-01-09. Review status: criteria provided, single submitter. Criteria: GeneDx Variant Classification Process June 2021. Collection method: clinical testing. Allele origin: germline. Affected: yes.
Comment: Not observed at significant frequency in large population cohorts (gnomAD); In silico analysis supports that this missense variant has a deleterious effect on protein structure/function; Has not been previously published as pathogenic or benign to our knowledge; In silico analysis suggests this variant may impact gene splicing. In the absence of RNA/functional studies, the actual effect of this sequence change is unknown.